The following is an entry in ClinVar:

NM_015721.3(GEMIN4):c.226A>G (p.Lys76Glu)

Gene: GEMIN4 (gem nuclear organelle associated protein 4; minus strand). Cytogenetic location: 17p13.3.
Variant type: single nucleotide variant.
Coding change: c.226A>G on transcript NM_015721.3 (MANE Select); coding-DNA position 226, A replaced by G.
Protein change: p.Lys76Glu; replaces lysine 76 with glutamic acid.
Molecular consequence: missense variant.
Genome position (GRCh38, 1-based): chr17:747,817, T>C on the plus strand (A>G on the coding strand, the complement: GEMIN4 is on the minus strand). VCF-style: chr17-747817-T-C. GRCh37 (hg19) VCF-style: chr17-651057-T-C.
Other names: short protein forms K76E.
Identifiers: ClinVar variation 5005807 (VCV005005807.2).
Genomic context (GRCh38, chr17:747,817, plus strand): 5'-GGTCTTCCTGCCACCGTGTCTCTGTGTCGGACGGGGTCACGGGGTGCGGCTGCAGAACCT[T>C]GGCCCAGATGATGATCAGGGCTTTCTTCTTCCAGGCAAAGGGCTGGGAGTGTGCTGCAGC-3'
Protein context (NP_056536.2, residues 66-86): KKKALIIIWA[Lys76Glu]VLQPHPVTPS

ClinVar aggregate classification (germline): Uncertain significance (1 of 4 stars; one submission).

Conditions:
Neurodevelopmental disorder with microcephaly, cataracts, and renal abnormalities. Identifiers: MedGen C4693567, MONDO:0060664, OMIM 617913.

Submission:

Juno Genomics, Hangzhou Juno Genomics, Inc
Classification: Uncertain significance for Neurodevelopmental disorder with microcephaly, cataracts, and renal abnormalities. Review status: criteria provided, single submitter. Criteria: ACMG Guidelines, 2015. Collection method: clinical testing. Allele origin: germline.
Comment: Absent from controls (or at extremely low frequency if recessive) in Genome Aggregation Database.;Multiple lines of computational evidence support a deleterious effect on the gene or gene product.